The following is an entry in ClinVar:

NM_000503.6(EYA1):c.1081C>T (p.Arg361Ter)

Gene: EYA1 (EYA transcriptional coactivator and phosphatase 1; minus strand). Cytogenetic location: 8q13.3.
Variant type: single nucleotide variant.
Coding change: c.1081C>T on transcript NM_000503.6 (MANE Select); coding-DNA position 1081, C replaced by T.
Protein change: p.Arg361Ter; replaces arginine 361 with a stop codon.
Molecular consequence: nonsense. On other transcripts: intron variant (2).
Genome position (GRCh38, 1-based): chr8:71,244,662, G>A on the plus strand (C>T on the coding strand, the complement: EYA1 is on the minus strand). VCF-style: chr8-71244662-G-A. GRCh37 (hg19) VCF-style: chr8-72156897-G-A.
Other names: R328*; c.1081C>T (NM_000503.4, NM_172058.3); c.1063C>T, p.Arg355Ter (NM_001288574.2); c.715C>T, p.Arg239Ter (NM_001288575.2); c.1168C>T, p.Arg390Ter (NM_001370333.1); c.1081C>T, p.Arg361Ter (NM_001370334.1, NM_001370335.1, NM_172058.4); c.1119+25078C>T (NM_001370336.1); c.1122+25078C>T (NM_172059.5); short protein forms R361*, R355*, R239*, R390*.
Identifiers: ClinVar variation 7943 (VCV000007943.49), dbSNP rs121909202, ClinGen allele CA254278.

ClinVar aggregate classification (germline): Pathogenic. Review status: criteria provided, multiple submitters, no conflicts (2 of 4 stars). 12 submissions from 11 submitters: Pathogenic (9). 3 of the submissions do not count toward it. Last evaluated 2026-01-20.

Conditions:
Melnick-Fraser syndrome (BOR). Also called: Branchio-oto-renal syndrome; Branchiootorenal Syndrome (BORS); Branchiootorenal syndrome. Identifiers: Orphanet 107, MedGen C0265234, MONDO:0007029.
EYA1-related disorder. Also called: EYA1-related condition.
Monogenic hearing loss.
Branchiootorenal syndrome 1. Also called: Branchio-Oto-Renal Syndrome 1. Identifiers: Orphanet 107, MedGen C4551702, MONDO:0007236, OMIM 113650.
Branchiootic syndrome 1 (BOS1). Also called: BO SYNDROME 1; BRANCHIOOTIC DYSPLASIA. Identifiers: MedGen C1865143, MONDO:0011258, OMIM 602588.
Otofaciocervical syndrome 1 (OTFCS). Identifiers: MedGen C3714941, MONDO:0024532, OMIM 166780.
Inborn genetic diseases. Identifiers: MedGen C0950123, MeSH D030342.

Submissions (12):

North West Genomic Laboratory Hub, Manchester University NHS Foundation Trust
Classification: Pathogenic for Monogenic hearing loss. Last evaluated: 2026-01-20. Review status: criteria provided, single submitter. Criteria: ACGS Best Practice Guidelines for Variant Classification in Rare Disease 2024. Collection method: clinical testing. Allele origin: germline. Affected: yes.
Comment: PM2_Supp PP4_Supp PS4_Supp PVS1_VStr

Ambry Genetics
Classification: Pathogenic for Inborn genetic diseases. Last evaluated: 2025-07-25. Review status: criteria provided, single submitter. Criteria: Ambry Variant Classification Scheme 2023. Collection method: clinical testing. Allele origin: germline.
Comment: The c.1081C>T (p.R361*) alteration, located in exon 12 (coding exon 10) of the EYA1 gene, consists of a C to T substitution at nucleotide position 1081. This changes the amino acid from an arginine (R) to a stop codon at amino acid position 361. This alteration is expected to result in loss of function by premature protein truncation or nonsense-mediated mRNA decay. The Genome Aggregation Database (gnomAD) data for this variant is unreliable due to technical and/or biological issues, therefore population frequency estimates were not considered. This variant was reported in individuals with features consistent with EYA1-related branchiootorenal syndrome; in at least one individual, it was determined to be de novo (Olavarrieta, 2008; Orten, 2008; Krug, 2011; Sloan-Heggen, 2016; Ambry internal data). Based on the available evidence, this alteration is classified as pathogenic.

Institute of Human Genetics, University of Leipzig Medical Center
Classification: Pathogenic for Branchiootic syndrome 1. Last evaluated: 2025-03-04. Review status: criteria provided, single submitter. Criteria: ACMG Guidelines, 2015. Collection method: clinical testing. Allele origin: unknown. Inheritance: Autosomal dominant inheritance. Affected: yes.
Comment: Criteria applied: PVS1,PS4_MOD,PM2

Labcorp Genetics (formerly Invitae), Labcorp
Classification: Pathogenic for Melnick-Fraser syndrome. Last evaluated: 2024-11-18. Review status: criteria provided, single submitter. Criteria: Invitae Variant Classification Sherloc (09022015). Collection method: clinical testing. Allele origin: germline.
Comment: This sequence change creates a premature translational stop signal (p.Arg361*) in the EYA1 gene. It is expected to result in an absent or disrupted protein product. Loss-of-function variants in EYA1 are known to be pathogenic (PMID: 10464653, 18220287). This variant is not present in population databases (gnomAD no frequency). This premature translational stop signal has been observed in individual(s) with branchio-oto-renal syndrome (PMID: 16691597, 18177466, 21280147, 26969326). In at least one individual the variant was observed to be de novo. Invitae Evidence Modeling of clinical and family history, age, sex, and reported ancestry of multiple individuals with this EYA1 variant has been performed. This variant is expected to be pathogenic with a positive predictive value of at least 99%. This is a validated machine learning model that incorporates the clinical features of 10,567 individuals referred to our laboratory for EYA1 testing. This variant is also known as Arg328X. ClinVar contains an entry for this variant (Variation ID: 7943). For these reasons, this variant has been classified as Pathogenic.

Fulgent Genetics
Classification: Pathogenic for Branchiootorenal syndrome 1; Otofaciocervical syndrome 1; Branchiootic syndrome 1. Last evaluated: 2024-03-23. Review status: criteria provided, single submitter. Criteria: ACMG Guidelines, 2015. Collection method: clinical testing. Allele origin: germline.

Greenwood Genetic Center Diagnostic Laboratories, Greenwood Genetic Center
Classification: Pathogenic for EYA1-related disorder. Last evaluated: 2024-03-05. Review status: criteria provided, single submitter. Criteria: ACMG Guidelines, 2015. Collection method: clinical testing. Allele origin: germline. Affected: yes.
Comment: PVS1, PS4, PM2

GeneDx
Classification: Pathogenic. Last evaluated: 2022-09-21. Review status: criteria provided, single submitter. Criteria: GeneDx Variant Classification Process June 2021. Collection method: clinical testing. Allele origin: germline. Affected: yes.
Comment: Nonsense variant predicted to result in protein truncation or nonsense mediated decay in a gene for which loss-of-function is a known mechanism of disease; Not observed at significant frequency in large population cohorts (gnomAD); This variant is associated with the following publications: (PMID: 18177466, 25525159, 26969326, 34387732, 31581539, 21280147, 16691597)

CeGaT Center for Human Genetics Tuebingen
Classification: Pathogenic. Last evaluated: 2022-06-01. Review status: criteria provided, single submitter. Criteria: CeGaT Center For Human Genetics Tuebingen Variant Classification Criteria Version 2. Collection method: clinical testing. Allele origin: germline. Affected: yes. Observed: 2 variant alleles.

Dasa
Classification: Pathogenic for Branchiootorenal syndrome 1. Last evaluated: 2022-01-05. Review status: criteria provided, single submitter. Criteria: ACMG Guidelines, 2015. Collection method: clinical testing. Allele origin: germline. Affected: yes. Observed: 1 variant allele.
Comment: The c.1081C>T;p.(Arg361*) variant creates a premature translational stop signal in EYA1 gene. It is expected to result in an absent or disrupted protein product -PVS1.This sequence change has been observed in affected individual(s) and ClinVar contains an entry for this variant (ClinVar ID: 7943; PMID: 26969326;18177466; 21280147) - PS4. This variant is not present in population databases (rs121909202, gnomAD; ABraOM no frequency) - PM2. In summary, the currently available evidence indicates that the variant is pathogenic.

PreventionGenetics, part of Exact Sciences
Classification: Pathogenic for EYA1-related condition. Last evaluated: 2024-03-11. Review status: no assertion criteria provided. Collection method: clinical testing. Allele origin: germline. Not counted in ClinVar's aggregate classification.
Comment: The EYA1 c.1081C>T variant is predicted to result in premature protein termination (p.Arg361*). This variant is alternatively referred to as c.982C>T in the literature. This variant has been reported in individuals with branchiootorenal syndrome, and in some cases was determined to be de novo (Spruijt et al. 2006. PubMed ID: 16691597; Sloan-Heggen et al. 2016. PubMed ID: 26969326; Orten et al. 2008. PubMed ID: 18220287; Fu et al. 2022. PubMed ID: 36307859). This variant has not been reported in a large population database, indicating this variant is rare. Nonsense variants in EYA1 are expected to be pathogenic. This variant is interpreted as pathogenic.

OMIM
Classification: Pathogenic for BRANCHIOOTIC SYNDROME 1. Last evaluated: 2008-03-01. Review status: no assertion criteria provided. Collection method: literature only. Allele origin: germline. Not counted in ClinVar's aggregate classification.

OMIM
Classification: Pathogenic for BRANCHIOOTORENAL SYNDROME 1. Last evaluated: 2008-03-01. Review status: no assertion criteria provided. Collection method: literature only. Allele origin: germline. Not counted in ClinVar's aggregate classification.

Literature cited by the submitters: PubMed 18177466 (cited by 4 submitters); PubMed 18220287 (cited by Ambry Genetics and Labcorp Genetics (formerly Invitae), Labcorp); PubMed 21280147 (cited by 3 submitters); PubMed 26969326 (cited by 3 submitters); PubMed 10464653 (cited by Labcorp Genetics (formerly Invitae), Labcorp); PubMed 16691597 (cited by Labcorp Genetics (formerly Invitae), Labcorp and OMIM).